The following is an entry in ClinVar:

NM_000081.4(LYST):c.5280T>G (p.Ile1760Met)

Gene: LYST (lysosomal trafficking regulator; minus strand). Cytogenetic location: 1q42.3.
Variant type: single nucleotide variant.
Coding change: c.5280T>G on transcript NM_000081.4 (MANE Select); coding-DNA position 5280, T replaced by G.
Protein change: p.Ile1760Met; replaces isoleucine 1760 with methionine.
Molecular consequence: missense variant.
Genome position (GRCh38, 1-based): chr1:235,777,243, A>C on the plus strand (T>G on the coding strand, the complement: LYST is on the minus strand). VCF-style: chr1-235777243-A-C. GRCh37 (hg19) VCF-style: chr1-235940543-A-C.
Other names: c.5280T>G, p.Ile1760Met (NM_001301365.1); short protein forms I1760M.
Identifiers: ClinVar variation 1980138 (VCV001980138.4), dbSNP rs1317818858, ClinGen allele CA344953705.

ClinVar aggregate classification (germline): Uncertain significance (1 of 4 stars; one submission).

Conditions:
Chédiak-Higashi syndrome (CHS). Also called: Chediak-Higashi Syndrome. Identifiers: Orphanet 167, MedGen C0007965, MONDO:0008963, OMIM 214500.

Allele frequency attached by ClinVar (database versions not stated): gnomAD exomes below 0.00001; TOPMed below 0.00001.
gnomAD v4.1: 2 of 1,613,208 alleles (0.00012%); highest among the groups gnomAD compares: Non-Finnish European, 0.00017%; no homozygotes.

Submission:

Labcorp Genetics (formerly Invitae), Labcorp
Classification: Uncertain significance for Chédiak-Higashi syndrome. Last evaluated: 2022-05-09. Review status: criteria provided, single submitter. Criteria: Invitae Variant Classification Sherloc (09022015). Collection method: clinical testing. Allele origin: germline.
Comment: In summary, the available evidence is currently insufficient to determine the role of this variant in disease. Therefore, it has been classified as a Variant of Uncertain Significance. Algorithms developed to predict the effect of missense changes on protein structure and function are either unavailable or do not agree on the potential impact of this missense change (SIFT: "Tolerated"; PolyPhen-2: "Possibly Damaging"; Align-GVGD: "Class C0"). This variant has not been reported in the literature in individuals affected with LYST-related conditions. This variant is not present in population databases (gnomAD no frequency). This sequence change replaces isoleucine, which is neutral and non-polar, with methionine, which is neutral and non-polar, at codon 1760 of the LYST protein (p.Ile1760Met).